The following is an entry in ClinVar:

ClinVar aggregate classification (germline): Uncertain significance. Review status: criteria provided, multiple submitters, no conflicts (2 of 4 stars). 2 submissions from 2 submitters: Uncertain significance (2). Last evaluated 2026-07-29.

Conditions:
Cardiovascular phenotype. Identifiers: MedGen CN230736.
Hereditary cancer-predisposing syndrome. Also called: Hereditary Cancer Syndrome; Tumor predisposition; Neoplastic Syndromes, Hereditary; Hereditary neoplastic syndrome. Identifiers: Orphanet 140162, MedGen C0027672, MeSH D009386, MONDO:0015356.
Neurofibromatosis, type 1 (NF1). Also called: NEUROFIBROMATOSIS, TYPE I, SOMATIC; Peripheral type neurofibromatosis; VON RECKLINGHAUSEN DISEASE; Neurofibromatosis, type I. Identifiers: Orphanet 636, MedGen C0027831, MONDO:0018975, OMIM 162200. Disease mechanism: loss of function.

Submissions (2):

Ambry Genetics
Classification: Uncertain significance for Cardiovascular phenotype; Hereditary cancer-predisposing syndrome. Last evaluated: 2026-07-29. Review status: criteria provided, single submitter. Criteria: Ambry Variant Classification Scheme 2023. Collection method: clinical testing. Allele origin: germline.
Comment: The p.M2010K variant (also known as c.6029T>A), located in coding exon 40 of the NF1 gene, results from a T to A substitution at nucleotide position 6029. The methionine at codon 2010 is replaced by lysine, an amino acid with similar properties. This amino acid position is conserved. In addition, this alteration is predicted to be deleterious by in silico analysis. Based on the available evidence, the clinical significance of this variant remains unclear.

Labcorp Genetics (formerly Invitae), Labcorp
Classification: Uncertain significance for Neurofibromatosis, type 1. Last evaluated: 2021-06-17. Review status: criteria provided, single submitter. Criteria: Invitae Variant Classification Sherloc (09022015). Collection method: clinical testing. Allele origin: germline.
Comment: This sequence change replaces methionine with lysine at codon 2010 of the NF1 protein (p.Met2010Lys). The methionine residue is highly conserved and there is a moderate physicochemical difference between methionine and lysine. This variant is not present in population databases (ExAC no frequency). This variant has not been reported in the literature in individuals with NF1-related conditions. Advanced modeling of protein sequence and biophysical properties (such as structural, functional, and spatial information, amino acid conservation, physicochemical variation, residue mobility, and thermodynamic stability) performed at Invitae indicates that this missense variant is expected to disrupt NF1 protein function. In summary, the available evidence is currently insufficient to determine the role of this variant in disease. Therefore, it has been classified as a Variant of Uncertain Significance.

NM_001042492.3(NF1):c.6092T>A (p.Met2031Lys)

Gene: NF1 (neurofibromin 1; plus strand). Cytogenetic location: 17q11.2.
Variant type: single nucleotide variant.
Coding change: c.6092T>A on transcript NM_001042492.3 (MANE Select); coding-DNA position 6092, T replaced by A.
Protein change: p.Met2031Lys; replaces methionine 2031 with lysine.
Molecular consequence: missense variant.
Genome position (GRCh38, 1-based): chr17:31,336,418, T>A. VCF-style: chr17-31336418-T-A. GRCh37 (hg19) VCF-style: chr17-29663436-T-A.
Other names: c.6029T>A, p.Met2010Lys (NM_000267.4); short protein forms M2010K, M2031K.
Identifiers: ClinVar variation 1499560 (VCV001499560.10), dbSNP rs753624907, ClinGen allele CA399011312.